The following is an entry in ClinVar:

NM_001365999.1(SZT2):c.9576C>T (p.Phe3192=)

Genes: SZT2 (SZT2 subunit of KICSTOR complex; plus strand), SZT2-AS1 (SZT2 antisense RNA 1; minus strand). Cytogenetic location: 1p34.2.
Variant type: single nucleotide variant.
Coding change: c.9576C>T on transcript NM_001365999.1 (MANE Select); coding-DNA position 9576, C replaced by T.
Protein change: p.Phe3192=; no amino-acid change (phenylalanine 3192 retained).
Molecular consequence: synonymous variant.
Genome position (GRCh38, 1-based): chr1:43,448,091, C>T. VCF-style: chr1-43448091-C-T. GRCh37 (hg19) VCF-style: chr1-43913762-C-T.
Other names: c.9405C>T, p.Phe3135= (NM_015284.4).
Identifiers: ClinVar variation 588195 (VCV000588195.44), dbSNP rs138585463, ClinGen allele CA810968.

ClinVar aggregate classification (germline): Conflicting classifications of pathogenicity. Review status: criteria provided, conflicting classifications (1 of 4 stars). 7 submissions from 7 submitters: Uncertain significance (1); Likely benign (5). 1 of the submissions does not count toward it. Last evaluated 2026-08-01.

Conditions:
Inborn genetic diseases. Identifiers: MedGen C0950123, MeSH D030342.
SZT2-related disorder. Also called: SZT2-related condition.
Developmental and epileptic encephalopathy, 18 (DEE18). Also called: Early infantile epileptic encephalopathy 18. Identifiers: Orphanet 369894, MedGen C3809624, MONDO:0014201, OMIM 615476.

Allele frequency attached by ClinVar (database versions not stated): 1000 Genomes Project 30x 0.00062; 1000 Genomes Project 0.00080; gnomAD exomes 0.00083 and 0.00133; ExAC 0.00084; gnomAD 0.00085 and 0.00089; TOPMed 0.00095; ESP Exome Variant Server 0.00123.
gnomAD v4.1: 2,090 of 1,596,516 alleles (0.13%); highest among the groups gnomAD compares: Non-Finnish European, 0.16%; no homozygotes.

Submissions (7):

CeGaT Center for Human Genetics Tuebingen
Classification: Likely benign. Last evaluated: 2026-08-01. Review status: criteria provided, single submitter. Criteria: CeGaT Center For Human Genetics Tuebingen Variant Classification Criteria Version 2. Collection method: clinical testing. Allele origin: germline. Affected: yes. Observed: 10 variant alleles.
Comment: SZT2: BP4, BP7

Labcorp Genetics (formerly Invitae), Labcorp
Classification: Likely benign. Last evaluated: 2026-01-04. Review status: criteria provided, single submitter. Criteria: Invitae Variant Classification Sherloc (09022015). Collection method: clinical testing. Allele origin: germline.

Blueprint Genetics
Classification: Likely benign. Last evaluated: 2024-11-25. Review status: criteria provided, single submitter. Criteria: ACMG Guidelines, 2015. Collection method: clinical testing. Allele origin: germline.

GeneDx
Classification: Likely benign. Last evaluated: 2021-03-04. Review status: criteria provided, single submitter. Criteria: GeneDx Variant Classification Process June 2021. Collection method: clinical testing. Allele origin: germline. Affected: yes.

Baylor Genetics
Classification: Uncertain significance for Developmental and epileptic encephalopathy, 18. Last evaluated: 2018-01-22. Review status: criteria provided, single submitter. Criteria: ACMG Guidelines, 2015. Collection method: clinical testing. Allele origin: paternal. Affected: yes.
Comment: This variant was determined to be of uncertain significance according to ACMG Guidelines, 2015 [PMID:25741868].

Ambry Genetics
Classification: Likely benign for Inborn genetic diseases. Last evaluated: 2016-08-24. Review status: criteria provided, single submitter. Criteria: Ambry Variant Classification Scheme 2023. Collection method: clinical testing. Allele origin: germline.

PreventionGenetics, part of Exact Sciences
Classification: Likely benign for SZT2-related condition. Last evaluated: 2019-06-20. Review status: no assertion criteria provided. Collection method: clinical testing. Allele origin: germline. Not counted in ClinVar's aggregate classification.
Comment: This variant is classified as likely benign based on ACMG/AMP sequence variant interpretation guidelines (Richards et al. 2015 PMID: 25741868, with internal and published modifications).